The following is an entry in ClinVar:

ClinVar aggregate classification (germline): Uncertain significance. Review status: criteria provided, multiple submitters, no conflicts (2 of 4 stars). 2 submissions from 2 submitters: Uncertain significance (2). Last evaluated 2024-07-19.

Allele frequency attached by ClinVar (database versions not stated): TOPMed below 0.00001; gnomAD exomes 0.00003.
gnomAD v4.1: 26 of 1,612,694 alleles (0.0016%); highest among the groups gnomAD compares: Non-Finnish European, 0.0021%; no homozygotes.

Submissions (2):

Blueprint Genetics
Classification: Uncertain significance. Last evaluated: 2024-07-19. Review status: criteria provided, single submitter. Criteria: ACMG Guidelines, 2015. Collection method: clinical testing. Allele origin: germline.

Labcorp Genetics (formerly Invitae), Labcorp
Classification: Uncertain significance. Last evaluated: 2021-12-17. Review status: criteria provided, single submitter. Criteria: Invitae Variant Classification Sherloc (09022015). Collection method: clinical testing. Allele origin: germline.
Comment: This sequence change replaces valine, which is neutral and non-polar, with methionine, which is neutral and non-polar, at codon 428 of the MME protein (p.Val428Met). This variant is not present in population databases (gnomAD no frequency). This missense change has been observed in individual(s) with clinical features of MME-related conditions (PMID: 33144514). Algorithms developed to predict the effect of missense changes on protein structure and function are either unavailable or do not agree on the potential impact of this missense change (SIFT: "Deleterious"; PolyPhen-2: "Probably Damaging"; Align-GVGD: "Class C0"). In summary, the available evidence is currently insufficient to determine the role of this variant in disease. Therefore, it has been classified as a Variant of Uncertain Significance.

Literature cited by the submitters: PubMed 33144514 (cited by Labcorp Genetics (formerly Invitae), Labcorp).

NM_007289.4(MME):c.1282G>A (p.Val428Met)

Gene: MME (membrane metalloendopeptidase; plus strand). Cytogenetic location: 3q25.2.
Variant type: single nucleotide variant.
Coding change: c.1282G>A on transcript NM_007289.4 (MANE Select); coding-DNA position 1282, G replaced by A.
Protein change: p.Val428Met; replaces valine 428 with methionine.
Molecular consequence: missense variant.
Genome position (GRCh38, 1-based): chr3:155,143,536, G>A. VCF-style: chr3-155143536-G-A. GRCh37 (hg19) VCF-style: chr3-154861325-G-A.
Other names: c.1282G>A, p.Val428Met (NM_000902.5, NM_001354642.2, NM_001354643.1 and 2 more transcripts); short protein forms V428M.
Identifiers: ClinVar variation 1484684 (VCV001484684.4), dbSNP rs201362716, ClinGen allele CA85829792.